The following is an entry in ClinVar:

ClinVar aggregate classification (germline): Likely pathogenic (1 of 4 stars; one submission).

Conditions:
Neurodevelopmental disorder with speech impairment and dysmorphic facies. Identifiers: MedGen C5436699, MONDO:0033630, OMIM 619056.
Epilepsy, early-onset, with or without developmental delay. Identifiers: MedGen C5882670, MONDO:0030005, OMIM 618832.

Submission:

Juno Genomics, Hangzhou Juno Genomics, Inc
Classification: Likely pathogenic for Epilepsy, early-onset, with or without developmental delay; Neurodevelopmental disorder with speech impairment and dysmorphic facies. Review status: criteria provided, single submitter. Criteria: ACMG Guidelines, 2015. Collection method: clinical testing. Allele origin: germline. Affected: yes.
Comment: Absent from controls (or at extremely low frequency if recessive) in Genome Aggregation Database.;Null variant in a gene where loss of function (LOF) is a known mechanism of disease.

NM_014712.3(SETD1A):c.1046C>A (p.Ser349Ter)

Gene: SETD1A (SET domain containing 1A, histone lysine methyltransferase; plus strand). Cytogenetic location: 16p11.2.
Variant type: single nucleotide variant.
Coding change: c.1046C>A on transcript NM_014712.3 (MANE Select); coding-DNA position 1046, C replaced by A.
Protein change: p.Ser349Ter; replaces serine 349 with a stop codon.
Molecular consequence: nonsense.
Genome position (GRCh38, 1-based): chr16:30,964,788, C>A. VCF-style: chr16-30964788-C-A. GRCh37 (hg19) VCF-style: chr16-30976109-C-A.
Other names: short protein forms S349*.
Identifiers: ClinVar variation 5019654 (VCV005019654.1).
Genomic context (GRCh38, chr16:30,964,788, plus strand): 5'-CCACCACTGCAGCCACTGCCTCATCCTCCGCCTCTTCCTCCTCATTGTCCTCGTCCTCCT[C>A]GTCATCCTCTTCCTCCTCGTCCTCTCAGTTTCGTAGTTCTGATGCAAACTACCCAGCGTA-3'